The following is an entry in ClinVar:

NM_001042492.3(NF1):c.3808T>C (p.Ser1270Pro)

Gene: NF1 (neurofibromin 1; plus strand). Cytogenetic location: 17q11.2.
Variant type: single nucleotide variant.
Coding change: c.3808T>C on transcript NM_001042492.3 (MANE Select); coding-DNA position 3808, T replaced by C.
Protein change: p.Ser1270Pro; replaces serine 1270 with proline.
Molecular consequence: missense variant.
Genome position (GRCh38, 1-based): chr17:31,235,710, T>C. VCF-style: chr17-31235710-T-C. GRCh37 (hg19) VCF-style: chr17-29562728-T-C.
Other names: c.3808T>C, p.Ser1270Pro (NM_000267.4); short protein forms S1270P.
Identifiers: ClinVar variation 1321057 (VCV001321057.4), dbSNP rs1597722567, ClinGen allele CA398992683.

ClinVar aggregate classification (germline): Uncertain significance. Review status: criteria provided, multiple submitters, no conflicts (2 of 4 stars). 2 submissions from 2 submitters: Uncertain significance (2). Last evaluated 2026-09-10.

Conditions:
Neurofibromatosis, type 1 (NF1). Also called: VON RECKLINGHAUSEN DISEASE; Peripheral type neurofibromatosis; NEUROFIBROMATOSIS, TYPE I, SOMATIC; Neurofibromatosis, type I. Identifiers: Orphanet 636, MedGen C0027831, MONDO:0018975, OMIM 162200. Disease mechanism: loss of function.

Submissions (2):

GeneDx
Classification: Uncertain significance. Last evaluated: 2026-09-10. Review status: criteria provided, single submitter. Criteria: GeneDx Variant Classification Process June 2021. Collection method: clinical testing. Allele origin: germline.
Comment: In silico analysis, which includes protein predictors and evolutionary conservation, supports a deleterious effect; Has not been previously published as pathogenic or benign to our knowledge; This variant is associated with the following publications: (PMID: 25486365, 22807134)

Labcorp Genetics (formerly Invitae), Labcorp
Classification: Uncertain significance for Neurofibromatosis, type 1. Last evaluated: 2025-04-11. Review status: criteria provided, single submitter. Criteria: Invitae Variant Classification Sherloc (09022015). Collection method: clinical testing. Allele origin: germline.
Comment: This sequence change replaces serine, which is neutral and polar, with proline, which is neutral and non-polar, at codon 1270 of the NF1 protein (p.Ser1270Pro). This variant is not present in population databases (gnomAD no frequency). This variant has not been reported in the literature in individuals affected with NF1-related conditions. ClinVar contains an entry for this variant (Variation ID: 1321057). Invitae Evidence Modeling of protein sequence and biophysical properties (such as structural, functional, and spatial information, amino acid conservation, physicochemical variation, residue mobility, and thermodynamic stability) indicates that this missense variant is expected to disrupt NF1 protein function with a positive predictive value of 95%. In summary, the available evidence is currently insufficient to determine the role of this variant in disease. Therefore, it has been classified as a Variant of Uncertain Significance.